The following is an entry in ClinVar:

ClinVar aggregate classification (germline): Uncertain significance (1 of 4 stars; one submission).

Conditions:
Hereditary cancer-predisposing syndrome. Also called: Neoplastic Syndromes, Hereditary; Hereditary Cancer Syndrome; Hereditary neoplastic syndrome; Tumor predisposition. Identifiers: Orphanet 140162, MedGen C0027672, MeSH D009386, MONDO:0015356.

Submission:

Ambry Genetics
Classification: Uncertain significance for Hereditary cancer-predisposing syndrome. Last evaluated: 2023-05-31. Review status: criteria provided, single submitter. Criteria: Ambry Variant Classification Scheme 2023. Collection method: clinical testing. Allele origin: germline.
Comment: The p.R899I variant (also known as c.2696G>T), located in coding exon 18 of the BRIP1 gene, results from a G to T substitution at nucleotide position 2696. The arginine at codon 899 is replaced by isoleucine, an amino acid with similar properties. This amino acid position is conserved. In addition, this alteration is predicted to be tolerated by in silico analysis. Since supporting evidence is limited at this time, the clinical significance of this alteration remains unclear.

NM_032043.3(BRIP1):c.2696G>T (p.Arg899Ile)

Gene: BRIP1 (BRCA1 interacting DNA helicase 1; minus strand). Cytogenetic location: 17q23.2.
Variant type: single nucleotide variant.
Coding change: c.2696G>T on transcript NM_032043.3 (MANE Select); coding-DNA position 2696, G replaced by T.
Protein change: p.Arg899Ile; replaces arginine 899 with isoleucine.
Molecular consequence: missense variant.
Genome position (GRCh38, 1-based): chr17:61,686,045, C>A on the plus strand (G>T on the coding strand, the complement: BRIP1 is on the minus strand). VCF-style: chr17-61686045-C-A. GRCh37 (hg19) VCF-style: chr17-59763406-C-A.
Other names: short protein forms R899I.
Identifiers: ClinVar variation 2564609 (VCV002564609.2), dbSNP rs2144114735, ClinGen allele CA400481721.